The following is an entry in ClinVar:

NM_000395.3(CSF2RB):c.2300T>G (p.Val767Gly)

Gene: CSF2RB (colony stimulating factor 2 receptor subunit beta; plus strand). Cytogenetic location: 22q12.3.
Variant type: single nucleotide variant.
Coding change: c.2300T>G on transcript NM_000395.3 (MANE Select); coding-DNA position 2300, T replaced by G.
Protein change: p.Val767Gly; replaces valine 767 with glycine.
Molecular consequence: missense variant.
Genome position (GRCh38, 1-based): chr22:36,938,108, T>G. VCF-style: chr22-36938108-T-G. GRCh37 (hg19) VCF-style: chr22-37334150-T-G.
Other names: short protein forms V767G.
Identifiers: ClinVar variation 1478567 (VCV001478567.8), dbSNP rs771166819, ClinGen allele CA10214082.

ClinVar aggregate classification (germline): Uncertain significance (1 of 4 stars; one submission).

Allele frequency attached by ClinVar (database versions not stated): ExAC 0.00001; gnomAD 0.00001; gnomAD exomes 0.00002.
gnomAD v4.1: 29 of 1,613,930 alleles (0.0018%); highest among the groups gnomAD compares: Non-Finnish European, 0.0024%; no homozygotes.

Submission:

Labcorp Genetics (formerly Invitae), Labcorp
Classification: Uncertain significance. Last evaluated: 2023-09-19. Review status: criteria provided, single submitter. Criteria: Invitae Variant Classification Sherloc (09022015). Collection method: clinical testing. Allele origin: germline.
Comment: ClinVar contains an entry for this variant (Variation ID: 1478567). Advanced modeling of protein sequence and biophysical properties (such as structural, functional, and spatial information, amino acid conservation, physicochemical variation, residue mobility, and thermodynamic stability) performed at Invitae indicates that this missense variant is expected to disrupt CSF2RB protein function. In summary, the available evidence is currently insufficient to determine the role of this variant in disease. Therefore, it has been classified as a Variant of Uncertain Significance. This variant has not been reported in the literature in individuals affected with CSF2RB-related conditions. This sequence change replaces valine, which is neutral and non-polar, with glycine, which is neutral and non-polar, at codon 767 of the CSF2RB protein (p.Val767Gly). This variant is present in population databases (rs771166819, gnomAD 0.004%).